The following is an entry in ClinVar:

NM_005422.4(TECTA):c.6181A>G (p.Arg2061Gly)

Genes: TBCEL-TECTA (TBCEL-TECTA readthrough; plus strand), TECTA (tectorin alpha; plus strand). Cytogenetic location: 11q23.3.
Variant type: single nucleotide variant.
Coding change: c.6181A>G on transcript NM_005422.4 (MANE Select); coding-DNA position 6181, A replaced by G.
Protein change: p.Arg2061Gly; replaces arginine 2061 with glycine.
Molecular consequence: missense variant.
Genome position (GRCh38, 1-based): chr11:121,189,098, A>G. VCF-style: chr11-121189098-A-G. GRCh37 (hg19) VCF-style: chr11-121059807-A-G.
Other names: c.7123A>G, p.Arg2375Gly (NM_001378761.1); short protein forms R2061G, R2375G.
Identifiers: ClinVar variation 4528047 (VCV004528047.2).
Genomic context (GRCh38, chr11:121,189,098, plus strand): 5'-CTTAATTGTGTGAAAATTTCCCCCTGGTATTCTGTCTTGCAGACTTGCCCACACAATTCC[A>G]GGATTGCCACAGATTACACAAAAGAGCCCAAAGAACAGATCATTTCAGTGGGACCTATTA-3'
Protein context (NP_005413.2, residues 2051-2071): SCKITCPHNS[Arg2061Gly]IATDYTKEPK

ClinVar aggregate classification (germline): Uncertain significance. Review status: criteria provided, multiple submitters, no conflicts (2 of 4 stars). 2 submissions from 2 submitters: Uncertain significance (2). Last evaluated 2025-08-23.

Submissions (2):

Labcorp Genetics (formerly Invitae), Labcorp
Classification: Uncertain significance. Last evaluated: 2025-08-23. Review status: criteria provided, single submitter. Criteria: Invitae Variant Classification Sherloc (09022015). Collection method: clinical testing. Allele origin: germline.
Comment: This sequence change replaces arginine, which is basic and polar, with glycine, which is neutral and non-polar, at codon 2061 of the TECTA protein (p.Arg2061Gly). This variant is not present in population databases (gnomAD no frequency). This variant has not been reported in the literature in individuals affected with TECTA-related conditions. Invitae Evidence Modeling of protein sequence and biophysical properties (such as structural, functional, and spatial information, amino acid conservation, physicochemical variation, residue mobility, and thermodynamic stability) indicates that this missense variant is not expected to disrupt TECTA protein function with a negative predictive value of 95%. This variant disrupts the p.Arg2061 amino acid residue in TECTA. Other variant(s) that disrupt this residue have been determined to be pathogenic (PMID: 31554319, 37927186). This suggests that this residue is clinically significant, and that variants that disrupt this residue are likely to be disease-causing. In summary, the available evidence is currently insufficient to determine the role of this variant in disease. Therefore, it has been classified as a Variant of Uncertain Significance.

GeneDx
Classification: Uncertain significance. Last evaluated: 2025-05-02. Review status: criteria provided, single submitter. Criteria: GeneDx Variant Classification Process June 2021. Collection method: clinical testing. Allele origin: germline. Affected: yes.
Comment: Not observed at significant frequency in large population cohorts (gnomAD); In silico analysis suggests that this missense variant does not alter protein structure/function; Has not been previously published as pathogenic or benign to our knowledge

Literature cited by the submitters: PubMed 31554319 (cited by Labcorp Genetics (formerly Invitae), Labcorp); PubMed 37927186 (cited by Labcorp Genetics (formerly Invitae), Labcorp).